The following is an entry in ClinVar:

ClinVar aggregate classification (germline): Uncertain significance. Review status: criteria provided, multiple submitters, no conflicts (2 of 4 stars). 4 submissions from 4 submitters: Uncertain significance (4). Last evaluated 2025-07-02.

Conditions:
Dyskeratosis congenita, autosomal dominant 6 (DKCA6). Identifiers: Orphanet 3322, MedGen C4225284, MONDO:0014690, OMIM 616553.
Inborn genetic diseases. Identifiers: MedGen C0950123, MeSH D030342.

Allele frequency attached by ClinVar (database versions not stated): gnomAD exomes 0.00001 and 0.00002; ExAC 0.00002; TOPMed 0.00003; gnomAD 0.00005; ESP Exome Variant Server 0.00008.

Submissions (4):

Labcorp Genetics (formerly Invitae), Labcorp
Classification: Uncertain significance for Dyskeratosis congenita, autosomal dominant 6. Last evaluated: 2025-07-02. Review status: criteria provided, single submitter. Criteria: Invitae Variant Classification Sherloc (09022015). Collection method: clinical testing. Allele origin: germline.
Comment: This sequence change replaces threonine, which is neutral and polar, with methionine, which is neutral and non-polar, at codon 509 of the ACD protein (p.Thr509Met). This variant is present in population databases (rs372747629, gnomAD 0.003%). This variant has not been reported in the literature in individuals affected with ACD-related conditions. ClinVar contains an entry for this variant (Variation ID: 1051569). Invitae Evidence Modeling of protein sequence and biophysical properties (such as structural, functional, and spatial information, amino acid conservation, physicochemical variation, residue mobility, and thermodynamic stability) indicates that this missense variant is expected to disrupt ACD protein function with a positive predictive value of 80%. In summary, the available evidence is currently insufficient to determine the role of this variant in disease. Therefore, it has been classified as a Variant of Uncertain Significance.

Center for Genomic Medicine, Rigshospitalet, Copenhagen University Hospital
Classification: Uncertain significance. Last evaluated: 2025-03-04. Review status: criteria provided, single submitter. Criteria: ACMG Guidelines, 2015. Collection method: clinical testing. Allele origin: germline.

Ambry Genetics
Classification: Uncertain significance for Inborn genetic diseases. Last evaluated: 2023-08-03. Review status: criteria provided, single submitter. Criteria: Ambry Variant Classification Scheme 2023. Collection method: clinical testing. Allele origin: germline.
Comment: The p.T509M variant (also known as c.1526C>T), located in coding exon 11 of the ACD gene, results from a C to T substitution at nucleotide position 1526. The threonine at codon 509 is replaced by methionine, an amino acid with similar properties. This amino acid position is conserved. In addition, this alteration is predicted to be tolerated by in silico analysis. Since supporting evidence is limited at this time, the clinical significance of this alteration remains unclear.

Fulgent Genetics
Classification: Uncertain significance for Dyskeratosis congenita, autosomal dominant 6. Last evaluated: 2022-01-07. Review status: criteria provided, single submitter. Criteria: ACMG Guidelines, 2015. Collection method: clinical testing. Allele origin: unknown.

NM_001082486.2(ACD):c.1268C>T (p.Thr423Met)

Gene: ACD (ACD shelterin complex subunit and telomerase recruitment factor; minus strand). Cytogenetic location: 16q22.1.
Variant type: single nucleotide variant.
Coding change: c.1268C>T on transcript NM_001082486.2 (MANE Select); coding-DNA position 1268, C replaced by T.
Protein change: p.Thr423Met; replaces threonine 423 with methionine.
Molecular consequence: missense variant.
Genome position (GRCh38, 1-based): chr16:67,657,792, G>A on the plus strand (C>T on the coding strand, the complement: ACD is on the minus strand). VCF-style: chr16-67657792-G-A. GRCh37 (hg19) VCF-style: chr16-67691695-G-A.
Other names: c.1259C>T, p.Thr420Met (NM_022914.3); short protein forms T420M, T423M.
Identifiers: ClinVar variation 1051569 (VCV001051569.15), dbSNP rs372747629, ClinGen allele CA8114385.